The following is an entry in ClinVar:

ClinVar aggregate classification (germline): Uncertain significance (1 of 4 stars; one submission).

Conditions:
Short stature, facial dysmorphism, and skeletal anomalies with or without cardiac anomalies 2. Identifiers: MedGen C5543057, MONDO:0030953, OMIM 619184.

Submission:

Neuberg Centre For Genomic Medicine, NCGM
Classification: Uncertain significance for Short stature, facial dysmorphism, and skeletal anomalies with or without cardiac anomalies 2. Review status: criteria provided, single submitter. Criteria: ACMG Guidelines, 2015. Collection method: clinical testing. Allele origin: germline. Inheritance: Autosomal recessive inheritance. Affected: yes.
Comment: In absence of another significant variant in SCUBE3 gene, molecular diagnosis is not confirmed.

NM_152753.4(SCUBE3):c.1349C>T (p.Pro450Leu)

Gene: SCUBE3 (signal peptide, CUB domain and EGF like domain containing 3; plus strand). Cytogenetic location: 6p21.31.
Variant type: single nucleotide variant.
Coding change: c.1349C>T on transcript NM_152753.4 (MANE Select); coding-DNA position 1349, C replaced by T.
Protein change: p.Pro450Leu; replaces proline 450 with leucine.
Molecular consequence: missense variant.
Genome position (GRCh38, 1-based): chr6:35,241,842, C>T. VCF-style: chr6-35241842-C-T. GRCh37 (hg19) VCF-style: chr6-35209619-C-T.
Other names: c.1346C>T, p.Pro449Leu (NM_001303136.2); short protein forms P449L, P450L.
Identifiers: ClinVar variation 4086250 (VCV004086250.1).
Genomic context (GRCh38, chr6:35,241,842, plus strand): 5'-ACTGTGACAGGCTCCTTTTCTCAGAGTCTGAGAATGGCTTCACGGTGAGCTGTGGGACCC[C>T]CAGCCCCAGGGCTGCTCCAGCCCGAGCTGGCCACAATGGGAACAGCACCAACTCCAACCA-3'
Protein context (NP_689966.2, residues 440-460): ENGFTVSCGT[Pro450Leu]SPRAAPARAG